The following is an entry in ClinVar:

ClinVar aggregate classification (germline): Uncertain significance (1 of 4 stars; one submission).

Submission:

Ambry Genetics
Classification: Uncertain significance. Last evaluated: 2024-03-28. Review status: criteria provided, single submitter. Criteria: Ambry Variant Classification Scheme 2023. Collection method: clinical testing. Allele origin: germline.
Comment: The p.G1500R variant (also known as c.4498G>C), located in coding exon 4 of the ALPK2 gene, results from a G to C substitution at nucleotide position 4498. The glycine at codon 1500 is replaced by arginine, an amino acid with dissimilar properties. This amino acid position is conserved. In addition, this alteration is predicted to be tolerated by in silico analysis. Based on the available evidence, the clinical significance of this alteration remains unclear.

NM_052947.4(ALPK2):c.4498G>C (p.Gly1500Arg)

Genes: ALPK2 (alpha kinase 2; minus strand), LOC126862764 (BRD4-independent group 4 enhancer GRCh37_chr18:56202574-56203773; plus strand). Cytogenetic location: 18q21.31.
Variant type: single nucleotide variant.
Coding change: c.4498G>C on transcript NM_052947.4 (MANE Select); coding-DNA position 4498, G replaced by C.
Protein change: p.Gly1500Arg; replaces glycine 1500 with arginine.
Molecular consequence: missense variant.
Genome position (GRCh38, 1-based): chr18:58,535,689, C>G on the plus strand (G>C on the coding strand, the complement: ALPK2 is on the minus strand). VCF-style: chr18-58535689-C-G. GRCh37 (hg19) VCF-style: chr18-56202921-C-G.
Other names: short protein forms G1500R.
Identifiers: ClinVar variation 3289918 (VCV003289918.1).
Genomic context (GRCh38, chr18:58,535,689, plus strand): 5'-TCCCATCACTGCTTTCTTGTATTTGGCCTATGCTACATCCACTTGGAATTCTTTCACCGC[C>G]TTCGCTGGGTTGCAGGACTTGCCAAATGGCAGTTTTTGCCTCCTCAGGTTGAATTTGTTC-3'
Protein context (NP_443179.3, residues 1490-1510): AIWQVLQPSE[Gly1500Arg]GERIPSGCSI